The following is an entry in ClinVar:

NM_003055.3(SLC18A3):c.1531C>T (p.Pro511Ser)

Genes: CHAT (choline O-acetyltransferase; plus strand), SLC18A3 (solute carrier family 18 member A3; plus strand). Cytogenetic location: 10q11.23.
Variant type: single nucleotide variant.
Coding change: c.1531C>T on transcript NM_003055.3 (MANE Select); coding-DNA position 1531, C replaced by T.
Protein change: p.Pro511Ser; replaces proline 511 with serine.
Molecular consequence: missense variant. On other transcripts: intron variant (1).
Genome position (GRCh38, 1-based): chr10:49,612,271, C>T. VCF-style: chr10-49612271-C-T. GRCh37 (hg19) VCF-style: chr10-50820317-C-T.
Other names: c.-69+3072C>T (NM_020984.4); short protein forms P511S.
Identifiers: ClinVar variation 1480361 (VCV001480361.10), dbSNP rs139485937, ClinGen allele CA5496993.

ClinVar aggregate classification (germline): Uncertain significance. Review status: criteria provided, multiple submitters, no conflicts (2 of 4 stars). 2 submissions from 2 submitters: Uncertain significance (2). Last evaluated 2025-06-26.

Conditions:
Inborn genetic diseases. Identifiers: MedGen C0950123, MeSH D030342.

Allele frequency attached by ClinVar (database versions not stated): ESP Exome Variant Server 0.00008; ExAC 0.00004; gnomAD 0.00012.
gnomAD v4.1: 35 of 1,610,952 alleles (0.0022%); highest among the groups gnomAD compares: African/African-American, 0.035%; no homozygotes.

Submissions (2):

Ambry Genetics
Classification: Uncertain significance for Inborn genetic diseases. Last evaluated: 2025-06-26. Review status: criteria provided, single submitter. Criteria: Ambry Variant Classification Scheme 2023. Collection method: clinical testing. Allele origin: germline.

Labcorp Genetics (formerly Invitae), Labcorp
Classification: Uncertain significance. Last evaluated: 2024-11-19. Review status: criteria provided, single submitter. Criteria: Invitae Variant Classification Sherloc (09022015). Collection method: clinical testing. Allele origin: germline.
Comment: This sequence change replaces proline, which is neutral and non-polar, with serine, which is neutral and polar, at codon 511 of the SLC18A3 protein (p.Pro511Ser). This variant is present in population databases (rs139485937, gnomAD 0.03%). This variant has not been reported in the literature in individuals affected with SLC18A3-related conditions. ClinVar contains an entry for this variant (Variation ID: 1480361). An algorithm developed to predict the effect of missense changes on protein structure and function (PolyPhen-2) suggests that this variant¬†is likely to be tolerated. In summary, the available evidence is currently insufficient to determine the role of this variant in disease. Therefore, it has been classified as a Variant of Uncertain Significance.